The following is an entry in ClinVar:

ClinVar aggregate classification (germline): Uncertain significance (1 of 4 stars; one submission).

Conditions:
Primary ciliary dyskinesia. Also called: Ciliary dyskinesia. Identifiers: Orphanet 244, MedGen C0008780, MONDO:0016575, HP:0012265.

Allele frequency attached by ClinVar (database versions not stated): TOPMed below 0.00001; gnomAD 0.00002; gnomAD exomes 0.00004; ExAC 0.00013.
gnomAD v4.1: 59 of 1,613,824 alleles (0.0037%); highest among the groups gnomAD compares: South Asian, 0.064%; no homozygotes.

Submission:

Ambry Genetics
Classification: Uncertain significance for Primary ciliary dyskinesia. Last evaluated: 2022-07-03. Review status: criteria provided, single submitter. Criteria: Ambry Variant Classification Scheme 2023. Collection method: clinical testing. Allele origin: germline.
Comment: The p.P563H variant (also known as c.1688C>A), located in coding exon 12 of the DNAAF3 gene, results from a C to A substitution at nucleotide position 1688. The proline at codon 563 is replaced by histidine, an amino acid with similar properties. This amino acid position is conserved. In addition, this alteration is predicted to be tolerated by in silico analysis. Since supporting evidence is limited at this time, the clinical significance of this alteration remains unclear.

NM_001256715.2(DNAAF3):c.1487C>A (p.Pro496His)

Gene: DNAAF3 (dynein axonemal assembly factor 3; minus strand). Cytogenetic location: 19q13.42.
Variant type: single nucleotide variant.
Coding change: c.1487C>A on transcript NM_001256715.2 (MANE Select); coding-DNA position 1487, C replaced by A.
Protein change: p.Pro496His; replaces proline 496 with histidine.
Molecular consequence: missense variant.
Genome position (GRCh38, 1-based): chr19:55,159,201, G>T on the plus strand (C>A on the coding strand, the complement: DNAAF3 is on the minus strand). VCF-style: chr19-55159201-G-T. GRCh37 (hg19) VCF-style: chr19-55670569-G-T.
Other names: c.1688C>A, p.Pro563His (NM_001256714.1); c.1325C>A, p.Pro442His (NM_001256716.2); c.1628C>A, p.Pro543His (NM_178837.4); short protein forms P496H, P543H, P442H, P563H.
Identifiers: ClinVar variation 1778054 (VCV001778054.2), dbSNP rs757426979, ClinGen allele CA9667768.